The following is an entry in ClinVar:

ClinVar aggregate classification (germline): Uncertain significance (1 of 4 stars; one submission).

Submission:

Labcorp Genetics (formerly Invitae), Labcorp
Classification: Uncertain significance. Last evaluated: 2024-12-22. Review status: criteria provided, single submitter. Criteria: Invitae Variant Classification Sherloc (09022015). Collection method: clinical testing. Allele origin: germline.
Comment: This variant, c.4872_4877dup, results in the insertion of 2 amino acid(s) of the BRWD3 protein (p.Asp1624_Ser1625dup), but otherwise preserves the integrity of the reading frame. This variant is not present in population databases (gnomAD no frequency). This variant has not been reported in the literature in individuals affected with BRWD3-related conditions. Experimental studies and prediction algorithms are not available or were not evaluated, and the functional significance of this variant is currently unknown. In summary, the available evidence is currently insufficient to determine the role of this variant in disease. Therefore, it has been classified as a Variant of Uncertain Significance.

NM_153252.5(BRWD3):c.4866CTCTGA[3] (p.Ser1625_Glu1626insAspSer)

Gene: BRWD3 (bromodomain and WD repeat domain containing 3; minus strand). Cytogenetic location: Xq21.1.
Variant type: Microsatellite.
Coding change: c.4866CTCTGA[3] on transcript NM_153252.5 (MANE Select); three copies in a row of the 6-base unit CTCTGA starting at c.4866; the reference has two copies in a row; one copy, 6 bases duplicated.
Protein change: p.Ser1625_Glu1626insAspSer.
Molecular consequence: inframe insertion.
Genome position (GRCh38, 1-based): chrX:80,677,141-80,677,146, TCAGAG duplicated on the plus strand (CTCTGA on the coding strand, the reverse complement: BRWD3 is on the minus strand); duplicating any 6 consecutive bases within chrX:80,677,141-80,677,157 gives the same sequence; the position shown is the placement nearest the transcript's 3' end. VCF-style (leftmost placement, unchanged base first): chrX-80677140-T-TTCAGAG. GRCh37 (hg19) VCF-style: chrX-79932639-T-TTCAGAG.
Identifiers: ClinVar variation 2008458 (VCV002008458.4), dbSNP rs201155478, ClinGen allele CA331835749.